The following is an entry in ClinVar:

NM_018972.4(GDAP1):c.892A>C (p.Asn298His)

Gene: GDAP1 (ganglioside induced differentiation associated protein 1; plus strand). Cytogenetic location: 8q21.11.
Variant type: single nucleotide variant.
Coding change: c.892A>C on transcript NM_018972.4 (MANE Select); coding-DNA position 892, A replaced by C.
Protein change: p.Asn298His; replaces asparagine 298 with histidine.
Molecular consequence: missense variant. On other transcripts: intron variant (1).
Genome position (GRCh38, 1-based): chr8:74,364,182, A>C. VCF-style: chr8-74364182-A-C. GRCh37 (hg19) VCF-style: chr8-75276417-A-C.
Other names: c.688A>C, p.Asn230His (NM_001040875.4); c.565A>C, p.Asn189His (NM_001362929.2, NM_001362932.2); c.718A>C, p.Asn240His (NM_001362930.2); c.694+1129A>C (NM_001362931.2); short protein forms N230H, N298H, N189H, N240H.
Identifiers: ClinVar variation 842460 (VCV000842460.11), dbSNP rs1470584902, ClinGen allele CA371550485.

ClinVar aggregate classification (germline): Uncertain significance. Review status: criteria provided, multiple submitters, no conflicts (2 of 4 stars). 2 submissions from 2 submitters: Uncertain significance (2). Last evaluated 2025-11-09.

Conditions:
Inborn genetic diseases. Identifiers: MedGen C0950123, MeSH D030342.
Charcot-Marie-Tooth disease type 4A. Also called: Charcot-Marie-Tooth disease, demyelinating, autosomal recessive, type 4a. Identifiers: Orphanet 99948, MedGen C1859198, MONDO:0008961, OMIM 214400.

Allele frequency attached by ClinVar (database versions not stated): gnomAD 0.00001.
gnomAD v4.1: 2 of 1,614,030 alleles (0.00012%); highest among the groups gnomAD compares: Non-Finnish European, 0.00017%; no homozygotes.

Submissions (2):

Labcorp Genetics (formerly Invitae), Labcorp
Classification: Uncertain significance for Charcot-Marie-Tooth disease type 4A. Last evaluated: 2025-11-09. Review status: criteria provided, single submitter. Criteria: Invitae Variant Classification Sherloc (09022015). Collection method: clinical testing. Allele origin: germline.
Comment: This sequence change replaces asparagine, which is neutral and polar, with histidine, which is basic and polar, at codon 298 of the GDAP1 protein (p.Asn298His). This variant is present in population databases (no rsID available, gnomAD 0.007%). This variant has not been reported in the literature in individuals affected with GDAP1-related conditions. ClinVar contains an entry for this variant (Variation ID: 842460). Invitae Evidence Modeling of protein sequence and biophysical properties (such as structural, functional, and spatial information, amino acid conservation, physicochemical variation, residue mobility, and thermodynamic stability) has been performed for this missense variant. However, the output from this modeling did not meet the statistical confidence thresholds required to predict the impact of this variant on GDAP1 protein function. In summary, the available evidence is currently insufficient to determine the role of this variant in disease. Therefore, it has been classified as a Variant of Uncertain Significance.

Ambry Genetics
Classification: Uncertain significance for Inborn genetic diseases. Last evaluated: 2021-05-05. Review status: criteria provided, single submitter. Criteria: Ambry Variant Classification Scheme 2023. Collection method: clinical testing. Allele origin: germline.
Comment: The p.N298H variant (also known as c.892A>C), located in coding exon 6 of the GDAP1 gene, results from an A to C substitution at nucleotide position 892. The asparagine at codon 298 is replaced by histidine, an amino acid with similar properties. This amino acid position is well conserved in available vertebrate species. In addition, the in silico prediction for this alteration is inconclusive. Since supporting evidence is limited at this time, the clinical significance of this alteration remains unclear.